The following is an entry in ClinVar:

NM_006516.4(SLC2A1):c.18+6881G>A

Gene: SLC2A1 (solute carrier family 2 member 1; minus strand). Cytogenetic location: 1p34.2.
Variant type: single nucleotide variant.
Coding change: c.18+6881G>A on transcript NM_006516.4 (MANE Select); 6881 bases into the intron after coding-DNA position 18, G replaced by A.
Molecular consequence: intron variant.
Genome position (GRCh38, 1-based): chr1:42,951,753, C>T on the plus strand (G>A on the coding strand, the complement: SLC2A1 is on the minus strand). VCF-style: chr1-42951753-C-T. GRCh37 (hg19) VCF-style: chr1-43417424-C-T.
Identifiers: ClinVar variation 3255289 (VCV003255289.2), dbSNP rs1054057.

ClinVar aggregate classification (germline): Benign (1 of 4 stars; one submission).

Allele frequency attached by ClinVar (database versions not stated): gnomAD 0.08717; TOPMed 0.09041; 1000 Genomes Project 30x 0.09931; 1000 Genomes Project 0.10064; gnomAD exomes 0.10229.
gnomAD v4.1: 38,470 of 398,054 alleles (9.7%); highest among the groups gnomAD compares: Admixed American, 17%; 2,132 homozygotes.

Submission:

Unidad de Genómica Garrahan, Hospital de Pediatría Garrahan
Classification: Benign. Last evaluated: 2024-07-15. Review status: criteria provided, single submitter. Criteria: ACMG Guidelines, 2015. Collection method: clinical testing. Allele origin: germline. Affected: no. Observed: 31 variant alleles.
Comment: This variant is classified as Benign based on local population frequency. This variant was detected in 33% of patients studied in a panel designed for Epileptic and Developmental Encephalopathy and Progressive Myoclonus Epilepsy. Number of patients: 31. Only high quality variants are reported.